The following is an entry in ClinVar:

ClinVar aggregate classification (germline): Uncertain significance (1 of 4 stars; one submission).

Submission:

GeneDx
Classification: Uncertain significance. Last evaluated: 2026-02-23. Review status: criteria provided, single submitter. Criteria: GeneDx Variant Classification Process June 2021. Collection method: clinical testing. Allele origin: germline.
Comment: In silico analysis suggests that this missense variant does not alter protein structure/function; Has not been previously published as pathogenic or benign to our knowledge

NM_025216.3(WNT10A):c.989G>A (p.Arg330Gln)

Gene: WNT10A (Wnt family member 10A; plus strand). Cytogenetic location: 2q35.
Variant type: single nucleotide variant.
Coding change: c.989G>A on transcript NM_025216.3 (MANE Select); coding-DNA position 989, G replaced by A.
Protein change: p.Arg330Gln; replaces arginine 330 with glutamine.
Molecular consequence: missense variant.
Genome position (GRCh38, 1-based): chr2:218,893,006, G>A. VCF-style: chr2-218893006-G-A. GRCh37 (hg19) VCF-style: chr2-219757728-G-A.
Other names: short protein forms R330Q.
Identifiers: ClinVar variation 4975126 (VCV004975126.1).
Genomic context (GRCh38, chr2:218,893,006, plus strand): 5'-TGGAGCCGGGCCCAGCGGGGGCACCCTCGCCGGCTCCGGGCGCTCCCGGGCCGCGCCGAC[G>A]GGCCAGCCCCGCCGACCTGGTCTACTTCGAAAAGTCTCCCGACTTCTGCGAGCGCGAGCC-3'
Protein context (NP_079492.2, residues 320-340): PAPGAPGPRR[Arg330Gln]ASPADLVYFE